The following is an entry in ClinVar:

ClinVar aggregate classification (germline): Uncertain significance. Review status: criteria provided, multiple submitters, no conflicts (2 of 4 stars). 2 submissions from 2 submitters: Uncertain significance (2). Last evaluated 2024-10-01.

Allele frequency attached by ClinVar (database versions not stated): gnomAD exomes below 0.00001; TOPMed below 0.00001; gnomAD 0.00001.
gnomAD v4.1: 4 of 1,613,630 alleles (0.00025%); highest among the groups gnomAD compares: Non-Finnish European, 0.00034%; no homozygotes.

Submissions (2):

CeGaT Center for Human Genetics Tuebingen
Classification: Uncertain significance. Last evaluated: 2024-10-01. Review status: criteria provided, single submitter. Criteria: CeGaT Center For Human Genetics Tuebingen Variant Classification Criteria Version 2. Collection method: clinical testing. Allele origin: germline. Affected: yes. Observed: 1 variant allele.

GeneDx
Classification: Uncertain significance. Last evaluated: 2020-10-16. Review status: criteria provided, single submitter. Criteria: GeneDx Variant Classification Process June 2021. Collection method: clinical testing. Allele origin: germline. Affected: yes.
Comment: Not observed in large population cohorts (Lek et al., 2016); In silico analysis supports that this missense variant does not alter protein structure/function; Has not been previously published as pathogenic or benign to our knowledge

NM_001162501.2(TNRC6B):c.5201C>T (p.Thr1734Ile)

Gene: TNRC6B (trinucleotide repeat containing adaptor 6B; plus strand). Cytogenetic location: 22q13.1.
Variant type: single nucleotide variant.
Coding change: c.5201C>T on transcript NM_001162501.2 (MANE Select); coding-DNA position 5201, C replaced by T.
Protein change: p.Thr1734Ile; replaces threonine 1734 with isoleucine.
Molecular consequence: missense variant.
Genome position (GRCh38, 1-based): chr22:40,322,940, C>T. VCF-style: chr22-40322940-C-T. GRCh37 (hg19) VCF-style: chr22-40718944-C-T.
Other names: c.4871C>T, p.Thr1624Ile (NM_015088.3); c.2789C>T, p.Thr930Ile (NM_001024843.2); short protein forms T1624I, T1734I, T930I.
Identifiers: ClinVar variation 1318787 (VCV001318787.16), dbSNP rs1243686226, ClinGen allele CA411671881.